The following is an entry in ClinVar:

ClinVar aggregate classification (germline): Uncertain significance (1 of 4 stars; one submission).

Conditions:
Hereditary cancer-predisposing syndrome. Also called: Tumor predisposition; Neoplastic Syndromes, Hereditary; Hereditary Cancer Syndrome; Hereditary neoplastic syndrome. Identifiers: Orphanet 140162, MedGen C0027672, MeSH D009386, MONDO:0015356.

Submission:

Ambry Genetics
Classification: Uncertain significance for Hereditary cancer-predisposing syndrome. Last evaluated: 2024-12-29. Review status: criteria provided, single submitter. Criteria: Ambry Variant Classification Scheme 2023. Collection method: clinical testing. Allele origin: germline.
Comment: The p.T2268N variant (also known as c.6803C>A), located in coding exon 15 of the APC gene, results from a C to A substitution at nucleotide position 6803. The threonine at codon 2268 is replaced by asparagine, an amino acid with similar properties. This amino acid position is conserved. In addition, in silico predictors for this gene do not accurately predict pathogenicity. Based on the available evidence, the clinical significance of this variant remains unclear.

NM_000038.6(APC):c.6803C>A (p.Thr2268Asn)

Gene: APC (APC regulator of Wnt signaling pathway; plus strand). Cytogenetic location: 5q22.2.
Variant type: single nucleotide variant.
Coding change: c.6803C>A on transcript NM_000038.6 (MANE Select); coding-DNA position 6803, C replaced by A.
Protein change: p.Thr2268Asn; replaces threonine 2268 with asparagine.
Molecular consequence: missense variant. On other transcripts: non-coding transcript variant (2).
Genome position (GRCh38, 1-based): chr5:112,842,397, C>A. VCF-style: chr5-112842397-C-A. GRCh37 (hg19) VCF-style: chr5-112178094-C-A.
Other names: c.6803C>A, p.Thr2268Asn (NM_001127510.3, NM_001354895.2, NM_001407450.1); c.6749C>A, p.Thr2250Asn (NM_001127511.3); c.6857C>A, p.Thr2286Asn (NM_001354896.2, NM_001407447.1, NM_001407448.1 and 1 more transcripts); c.6833C>A, p.Thr2278Asn (NM_001354897.2); c.6728C>A, p.Thr2243Asn (NM_001354898.2); c.6719C>A, p.Thr2240Asn (NM_001354899.2); c.6680C>A, p.Thr2227Asn (NM_001354900.2); c.6626C>A, p.Thr2209Asn (NM_001354901.2, NM_001407453.1); and 11 more; short protein forms T1985N, T2227N, T2240N, T2108N, T2167N, T2185N, T2250N, T2268N.
Identifiers: ClinVar variation 3881423 (VCV003881423.1).